The following is an entry in ClinVar:

ClinVar aggregate classification (germline): Uncertain significance. Review status: criteria provided, multiple submitters, no conflicts (2 of 4 stars). 3 submissions from 3 submitters: Uncertain significance (3). Last evaluated 2023-11-28.

Conditions:
Hereditary cancer-predisposing syndrome. Also called: Hereditary neoplastic syndrome; Hereditary Cancer Syndrome; Neoplastic Syndromes, Hereditary; Tumor predisposition. Identifiers: Orphanet 140162, MedGen C0027672, MeSH D009386, MONDO:0015356.
Familial adenomatous polyposis 2. Also called: MYH-associated polyposis; COLORECTAL ADENOMATOUS POLYPOSIS, AUTOSOMAL RECESSIVE; ADENOMAS, MULTIPLE COLORECTAL, AUTOSOMAL RECESSIVE; MUTYH-related attenuated familial adenomatous polyposis; Adenomas, multiple colorectal; FAP type 2. Identifiers: Orphanet 220460, Orphanet 247798, MedGen C3272841, MONDO:0012041, OMIM 608456.

Submissions (3):

Labcorp Genetics (formerly Invitae), Labcorp
Classification: Uncertain significance for Familial adenomatous polyposis 2. Last evaluated: 2023-11-28. Review status: criteria provided, single submitter. Criteria: Invitae Variant Classification Sherloc (09022015). Collection method: clinical testing. Allele origin: germline.
Comment: This sequence change falls in intron 13 of the MUTYH gene. It does not directly change the encoded amino acid sequence of the MUTYH protein. It affects a nucleotide within the consensus splice site. This variant is not present in population databases (gnomAD no frequency). This variant has not been reported in the literature in individuals affected with MUTYH-related conditions. ClinVar contains an entry for this variant (Variation ID: 490031). Variants that disrupt the consensus splice site are a relatively common cause of aberrant splicing (PMID: 17576681, 9536098). Algorithms developed to predict the effect of sequence changes on RNA splicing suggest that this variant is not likely to affect RNA splicing. In summary, the available evidence is currently insufficient to determine the role of this variant in disease. Therefore, it has been classified as a Variant of Uncertain Significance.

Ambry Genetics
Classification: Uncertain significance for Hereditary cancer-predisposing syndrome. Last evaluated: 2021-12-13. Review status: criteria provided, single submitter. Criteria: Ambry Variant Classification Scheme 2023. Collection method: clinical testing. Allele origin: germline.
Comment: The c.1323+3A>C intronic variant results from an A to C substitution 3 nucleotides after coding exon 13 in the MUTYH gene. This nucleotide position is not well conserved in available vertebrate species. In silico splice site analysis predicts that this alteration will not have any significant effect on splicing. Since supporting evidence is limited at this time, the clinical significance of this alteration remains unclear.

Color Diagnostics, LLC DBA Color Health
Classification: Uncertain significance for Hereditary cancer-predisposing syndrome. Last evaluated: 2019-06-29. Review status: criteria provided, single submitter. Criteria: ACMG Guidelines, 2015. Collection method: clinical testing. Allele origin: germline.

Literature cited by the submitters: PubMed 17576681 (cited by Labcorp Genetics (formerly Invitae), Labcorp); PubMed 9536098 (cited by Labcorp Genetics (formerly Invitae), Labcorp).

NM_001048174.2(MUTYH):c.1239+3A>C

Gene: MUTYH (mutY DNA glycosylase; minus strand). Cytogenetic location: 1p34.1.
Variant type: single nucleotide variant.
Coding change: c.1239+3A>C on transcript NM_001048174.2 (MANE Select); 3 bases into the intron after coding-DNA position 1239, A replaced by C.
Molecular consequence: intron variant.
Genome position (GRCh38, 1-based): chr1:45,331,417, T>G on the plus strand (A>C on the coding strand, the complement: MUTYH is on the minus strand). VCF-style: chr1-45331417-T-G. GRCh37 (hg19) VCF-style: chr1-45797089-T-G.
Other names: c.894+3A>C (NM_001350651.2, NM_001350650.2); c.963+3A>C (NM_001293192.2, NM_001293196.2); c.1239+3A>C (NM_001048171.2, NM_001048173.2, NM_001293195.2); c.1284+3A>C (NM_001293190.2); c.1314+3A>C (NM_012222.3); c.1323+3A>C (NM_001128425.2); c.1242+3A>C (NM_001048172.2); c.1272+3A>C (NM_001293191.2).
Identifiers: ClinVar variation 490031 (VCV000490031.11), dbSNP rs1553125444, ClinGen allele CA658683141.